The following is an entry in ClinVar:

ClinVar aggregate classification (germline): Uncertain significance (1 of 4 stars; one submission).

Submission:

GeneDx
Classification: Uncertain significance. Last evaluated: 2023-11-09. Review status: criteria provided, single submitter. Criteria: GeneDx Variant Classification Process June 2021. Collection method: clinical testing. Allele origin: germline. Affected: yes.
Comment: Not observed at significant frequency in large population cohorts (gnomAD); In silico analysis supports that this missense variant has a deleterious effect on protein structure/function; Has not been previously published as pathogenic or benign to our knowledge

NM_001371623.1(TCOF1):c.2086A>T (p.Ser696Cys)

Gene: TCOF1 (treacle ribosome biogenesis factor 1; plus strand). Cytogenetic location: 5q32.
Variant type: single nucleotide variant.
Coding change: c.2086A>T on transcript NM_001371623.1 (MANE Select); coding-DNA position 2086, A replaced by T.
Protein change: p.Ser696Cys; replaces serine 696 with cysteine.
Molecular consequence: missense variant.
Genome position (GRCh38, 1-based): chr5:150,376,274, A>T. VCF-style: chr5-150376274-A-T. GRCh37 (hg19) VCF-style: chr5-149755837-A-T.
Other names: c.1855A>T, p.Ser619Cys (NM_000356.4, NM_001135245.2); c.2086A>T, p.Ser696Cys (NM_001008657.3, NM_001135243.2, NM_001135244.2 and 1 more transcripts); short protein forms S619C, S696C.
Identifiers: ClinVar variation 3363887 (VCV003363887.1).
Genomic context (GRCh38, chr5:150,376,274, plus strand): 5'-GCAGGCTCATCCCCAGCTGTGGCTGGGGGCACCCAGAGACCAGCAGAGGATTCTTCAAGC[A>T]GTGAGGAATCAGATAGTGAGGAAGAGAAGACAGGTCTTGCAGTAACCGTGGGACAGGTGA-3'
Protein context (NP_001358552.1, residues 686-706): TQRPAEDSSS[Ser696Cys]EESDSEEEKT